The following is an entry in ClinVar:

ClinVar aggregate classification (germline): Uncertain significance (1 of 4 stars; one submission).

Submission:

GeneDx
Classification: Uncertain significance. Last evaluated: 2025-03-11. Review status: criteria provided, single submitter. Criteria: GeneDx Variant Classification Process June 2021. Collection method: clinical testing. Allele origin: germline.
Comment: Not observed at significant frequency in large population cohorts (gnomAD); In silico analysis is inconclusive as to whether the variant alters gene splicing. In the absence of RNA/functional studies, the actual effect of this sequence change is unknown.; Has not been previously published as pathogenic or benign to our knowledge

NM_000104.4(CYP1B1):c.1043+2dup

Gene: CYP1B1 (cytochrome P450 family 1 subfamily B member 1; minus strand). Cytogenetic location: 2p22.2.
Variant type: Duplication.
Coding change: c.1043+2dup on transcript NM_000104.4 (MANE Select); the canonical splice donor site of the intron after coding-DNA position 1043, one base duplicated (T; older notation c.1043+2dupT).
Molecular consequence: splice donor variant.
Genome position (GRCh38, 1-based): chr2:38,074,344, A duplicated on the plus strand (T on the coding strand, the reverse complement: CYP1B1 is on the minus strand). VCF-style (leftmost placement, unchanged base first): chr2-38074343-T-TA. GRCh37 (hg19) VCF-style: chr2-38301486-T-TA.
Identifiers: ClinVar variation 3364753 (VCV003364753.2).
Genomic context (GRCh38, chr2:38,074,343, plus strand): 5'-CTGTCTCTACTCCGCCTTTTTCAGAGGAGAAAAGACCTGGCCCACGCCTCCCAGAGGCTT[T>TA]ACCTGGTGAAGAGGAGGAGCAGCCACTGCAGCGCGGTGGACAGGGTGTCCTGGCTGGCGC-3'